The following is an entry in ClinVar:

NM_004168.4(SDHA):c.312+7G>C

Gene: SDHA (succinate dehydrogenase complex flavoprotein subunit A; plus strand). Cytogenetic location: 5p15.33.
Variant type: single nucleotide variant.
Coding change: c.312+7G>C on transcript NM_004168.4 (MANE Select); 7 bases into the intron after coding-DNA position 312, G replaced by C.
Molecular consequence: intron variant.
Genome position (GRCh38, 1-based): chr5:224,528, G>C. VCF-style: chr5-224528-G-C. GRCh37 (hg19) VCF-style: chr5-224643-G-C.
Other names: c.312+7G>C (NM_001330758.2, NM_001294332.2).
Identifiers: ClinVar variation 1533766 (VCV001533766.9), dbSNP rs2126543454, ClinGen allele CA2573138531.

ClinVar aggregate classification (germline): Likely benign. Review status: criteria provided, multiple submitters, no conflicts (2 of 4 stars). 2 submissions from 2 submitters: Likely benign (2). Last evaluated 2025-02-28.

Conditions:
Pheochromocytoma/paraganglioma syndrome 5. Also called: Paragangliomas 5; SDHA-Related Hereditary Paraganglioma-Pheochromocytoma Syndrome. Identifiers: Orphanet 29072, MedGen C3279992, MONDO:0013602, OMIM 614165.
Mitochondrial complex II deficiency, nuclear type 1. Also called: SUCCINATE CoQ REDUCTASE DEFICIENCY. Identifiers: Orphanet 3208, MedGen C5700310, MONDO:0100294, OMIM 252011.

Submissions (2):

Myriad Genetics, Inc.
Classification: Likely benign for Pheochromocytoma/paraganglioma syndrome 5. Last evaluated: 2025-02-28. Review status: criteria provided, single submitter. Criteria: Myriad Autosomal Dominant, Autosomal Recessive and X-Linked Classification Criteria (2023). Collection method: clinical testing. Allele origin: unknown.
Comment: This variant is considered likely benign. This variant is intronic and is not expected to impact mRNA splicing.

Labcorp Genetics (formerly Invitae), Labcorp
Classification: Likely benign for Pheochromocytoma/paraganglioma syndrome 5; Mitochondrial complex II deficiency, nuclear type 1. Last evaluated: 2024-04-22. Review status: criteria provided, single submitter. Criteria: Invitae Variant Classification Sherloc (09022015). Collection method: clinical testing. Allele origin: germline.